The following is an entry in ClinVar:

ClinVar aggregate classification (germline): Uncertain significance. Review status: criteria provided, multiple submitters, no conflicts (2 of 4 stars). 2 submissions from 2 submitters: Uncertain significance (2). Last evaluated 2023-06-26.

Conditions:
Lynch syndrome. Identifiers: Orphanet 144, MedGen C4552100, MONDO:0005835. Disease mechanism: loss of function.
Hereditary cancer-predisposing syndrome. Also called: Hereditary neoplastic syndrome; Hereditary Cancer Syndrome; Neoplastic Syndromes, Hereditary; Tumor predisposition. Identifiers: Orphanet 140162, MedGen C0027672, MeSH D009386, MONDO:0015356.

Allele frequency attached by ClinVar (database versions not stated): TOPMed below 0.00001.

Submissions (2):

All of Us Research Program, National Institutes of Health
Classification: Uncertain significance for Lynch syndrome. Last evaluated: 2023-06-26. Review status: criteria provided, single submitter. Criteria: ACMG Guidelines, 2015. Collection method: clinical testing. Allele origin: germline. Inheritance: Autosomal dominant inheritance. Observed: 1 variant allele, 1 heterozygote.
Comment: This missense variant replaces valine with leucine at codon 1059 of the MSH6 protein. Computational prediction suggests that this variant may have deleterious impact on protein structure and function (internally defined REVEL score threshold >= 0.7, PMID: 27666373). To our knowledge, functional studies have not been reported for this variant. This variant has not been reported in individuals affected with MSH6-related disorders in the literature. This variant has not been identified in the general population by the Genome Aggregation Database (gnomAD). The available evidence is insufficient to determine the role of this variant in disease conclusively. Therefore, this variant is classified as a Variant of Uncertain Significance.

This study involves interpretation of variants in research participants for the purpose of population health screening. Participant phenotype was not available at the time of variant classification. Additional details can be found in publication PMID: 35346344, PMCID: PMC8962531

Ambry Genetics
Classification: Uncertain significance for Hereditary cancer-predisposing syndrome. Last evaluated: 2023-05-24. Review status: criteria provided, single submitter. Criteria: Ambry Variant Classification Scheme 2023. Collection method: clinical testing. Allele origin: germline.
Comment: The p.V1059L variant (also known as c.3175G>C), located in coding exon 5 of the MSH6 gene, results from a G to C substitution at nucleotide position 3175. The valine at codon 1059 is replaced by leucine, an amino acid with highly similar properties. This amino acid position is highly conserved in available vertebrate species. In addition, this alteration is predicted to be deleterious by in silico analysis. Since supporting evidence is limited at this time, the clinical significance of this alteration remains unclear.

NM_000179.3(MSH6):c.3175G>C (p.Val1059Leu)

Gene: MSH6 (mutS homolog 6; plus strand). Cytogenetic location: 2p16.3.
Variant type: single nucleotide variant.
Coding change: c.3175G>C on transcript NM_000179.3 (MANE Select); coding-DNA position 3175, G replaced by C.
Protein change: p.Val1059Leu; replaces valine 1059 with leucine.
Molecular consequence: missense variant. On other transcripts: 5 prime UTR variant (1), non-coding transcript variant (5), intron variant (1).
Genome position (GRCh38, 1-based): chr2:47,803,422, G>C. VCF-style: chr2-47803422-G-C. GRCh37 (hg19) VCF-style: chr2-48030561-G-C.
Other names: c.2785G>C, p.Val929Leu (NM_001281492.2); c.2269G>C, p.Val757Leu (NM_001281493.2, NM_001281494.2, NM_001406811.1 and 6 more transcripts); c.3271G>C, p.Val1091Leu (NM_001406795.1, NM_001406802.1); c.3175G>C, p.Val1059Leu (NM_001406796.1, NM_001406800.1, NM_001406808.1 and 1 more transcripts); c.2878G>C, p.Val960Leu (NM_001406797.1, NM_001406801.1, NM_001406805.1 and 10 more transcripts); c.2650G>C, p.Val884Leu (NM_001406799.1, NM_001406806.1, NM_001406807.1); c.2311G>C, p.Val771Leu (NM_001406803.1); c.3097G>C, p.Val1033Leu (NM_001406804.1); and 7 more; short protein forms V1033L, V771L, V884L, V960L, V1003L, V1059L, V1061L, V537L.
Identifiers: ClinVar variation 2567475 (VCV002567475.3), dbSNP rs1249506770, ClinGen allele CA346757817.
Genomic context (GRCh38, chr2:47,803,422, plus strand): 5'-CTTAGGCTGATAAAACCCCCAAACGATGAAGCCTCACTTTTACCCTCTCTTTTAACAGAT[G>C]TTTTACTGTGCCTGGCTAACTATAGTCGAGGGGGTGATGGTCCTATGTGTCGCCCAGTAA-3'
Protein context (NP_000170.1, residues 1049-1069): SAVECIAVLD[Val1059Leu]LLCLANYSRG